The following is an entry in ClinVar:

ClinVar aggregate classification (germline): Likely benign. Review status: criteria provided, multiple submitters, no conflicts (2 of 4 stars). 3 submissions from 3 submitters: Likely benign (3). Last evaluated 2025-07-21.

Conditions:
CHD8-related disorder. Also called: CHD8-related condition; CHD8-related disorders.

Allele frequency attached by ClinVar (database versions not stated): ExAC 0.00005; gnomAD 0.00008; gnomAD exomes 0.00010; TOPMed 0.00010.
gnomAD v4.1: 150 of 1,551,066 alleles (0.0097%); highest among the groups gnomAD compares: South Asian, 0.017%; no homozygotes.

Submissions (3):

PreventionGenetics, part of Exact Sciences
Classification: Likely benign for CHD8-related condition. Last evaluated: 2025-07-21. Review status: criteria provided, single submitter. Criteria: ACMG Guidelines, 2015. Collection method: clinical testing. Allele origin: germline.
Comment: This variant is classified as likely benign based on ACMG/AMP sequence variant interpretation guidelines (Richards et al. 2015 PMID: 25741868, with internal and published modifications).

Labcorp Genetics (formerly Invitae), Labcorp
Classification: Likely benign. Last evaluated: 2025-05-19. Review status: criteria provided, single submitter. Criteria: Invitae Variant Classification Sherloc (09022015). Collection method: clinical testing. Allele origin: germline.

Blueprint Genetics
Classification: Likely benign. Last evaluated: 2024-11-13. Review status: criteria provided, single submitter. Criteria: ACMG Guidelines, 2015. Collection method: clinical testing. Allele origin: germline.

NM_001170629.2(CHD8):c.7605A>G (p.Gln2535=)

Gene: CHD8 (chromodomain helicase DNA binding protein 8; minus strand). Cytogenetic location: 14q11.2.
Variant type: single nucleotide variant.
Coding change: c.7605A>G on transcript NM_001170629.2 (MANE Select); coding-DNA position 7605, A replaced by G.
Protein change: p.Gln2535=; no amino-acid change (glutamine 2535 retained).
Molecular consequence: synonymous variant.
Genome position (GRCh38, 1-based): chr14:21,385,754, T>C on the plus strand (A>G on the coding strand, the complement: CHD8 is on the minus strand). VCF-style: chr14-21385754-T-C. GRCh37 (hg19) VCF-style: chr14-21853913-T-C.
Other names: c.7605A>G (NM_001170629.1); c.6768A>G, p.Gln2256= (NM_020920.4).
Identifiers: ClinVar variation 2069882 (VCV002069882.6), dbSNP rs754992097, ClinGen allele CA7090525.